The following is an entry in ClinVar:

NM_007317.3(KIF22):c.7G>A (p.Ala3Thr)

Gene: KIF22 (kinesin family member 22; plus strand). Cytogenetic location: 16p11.2.
Variant type: single nucleotide variant.
Coding change: c.7G>A on transcript NM_007317.3 (MANE Select); coding-DNA position 7, G replaced by A.
Protein change: p.Ala3Thr; replaces alanine 3 with threonine.
Molecular consequence: missense variant. On other transcripts: 5 prime UTR variant (1).
Genome position (GRCh38, 1-based): chr16:29,790,766, G>A. VCF-style: chr16-29790766-G-A. GRCh37 (hg19) VCF-style: chr16-29802087-G-A.
Other names: c.-247G>A (NM_001256269.2); short protein forms A3T.
Identifiers: ClinVar variation 3613043 (VCV003613043.2).

ClinVar aggregate classification (germline): Uncertain significance (1 of 4 stars; one submission).

gnomAD v4.1: 8 of 1,595,788 alleles (0.0005%); highest among the groups gnomAD compares: Admixed American, 0.014%; no homozygotes.

Submission:

Labcorp Genetics (formerly Invitae), Labcorp
Classification: Uncertain significance. Last evaluated: 2025-07-20. Review status: criteria provided, single submitter. Criteria: Invitae Variant Classification Sherloc (09022015). Collection method: clinical testing. Allele origin: germline.
Comment: This sequence change replaces alanine, which is neutral and non-polar, with threonine, which is neutral and polar, at codon 3 of the KIF22 protein (p.Ala3Thr). The frequency data for this variant in the population databases is considered unreliable, as metrics indicate poor data quality at this position in the gnomAD database. This variant has not been reported in the literature in individuals affected with KIF22-related conditions. ClinVar contains an entry for this variant (Variation ID: 3613043). An algorithm developed to predict the effect of missense changes on protein structure and function (PolyPhen-2) suggests that this variant is likely to be tolerated. In summary, the available evidence is currently insufficient to determine the role of this variant in disease. Therefore, it has been classified as a Variant of Uncertain Significance.